The following is an entry in ClinVar:

ClinVar aggregate classification (germline): Pathogenic (1 of 4 stars; one submission).

Conditions:
Multiple endocrine neoplasia type 4. Also called: MULTIPLE ENDOCRINE NEOPLASIA, TYPE IV. Identifiers: Orphanet 276152, MedGen C1970712, MONDO:0012552, OMIM 610755.

Submission:

Labcorp Genetics (formerly Invitae), Labcorp
Classification: Pathogenic for Multiple endocrine neoplasia type 4. Last evaluated: 2019-12-26. Review status: criteria provided, single submitter. Criteria: Invitae Variant Classification Sherloc (09022015). Collection method: clinical testing. Allele origin: germline.
Comment: For these reasons, this variant has been classified as Pathogenic. Loss-of-function variants in CDKN1B are known to be pathogenic (PMID: 17030811, 24819502). Algorithms developed to predict the effect of sequence changes on RNA splicing suggest that this variant may create or strengthen a splice site, but this prediction has not been confirmed by published transcriptional studies. This variant has not been reported in the literature in individuals with CDKN1B-related conditions. This variant is not present in population databases (ExAC no frequency). This sequence change creates a premature translational stop signal (p.Pro91Thrfs*34) in the CDKN1B gene. It is expected to result in an absent or disrupted protein product.

Literature cited by the submitters: PubMed 17030811; PubMed 24819502.

NM_004064.5(CDKN1B):c.269dup (p.Pro91fs)

Gene: CDKN1B (cyclin dependent kinase inhibitor 1B; plus strand). Cytogenetic location: 12p13.1.
Variant type: Duplication.
Coding change: c.269dup on transcript NM_004064.5 (MANE Select); coding-DNA position 269, one base duplicated (G; older notation c.269dupG).
Protein change: p.Pro91fs; shifts the reading frame from proline 91.
Molecular consequence: frameshift variant.
Genome position (GRCh38, 1-based): chr12:12,718,108, G duplicated. VCF-style (leftmost placement, unchanged base first): chr12-12718107-A-AG. GRCh37 (hg19) VCF-style: chr12-12871041-A-AG.
Other names: short protein forms P91fs.
Identifiers: ClinVar variation 857540 (VCV000857540.7), dbSNP rs1946492962, ClinGen allele CA916083289.
Genomic context (GRCh38, chr12:12,718,107, plus strand): 5'-CTAGAGGGCAAGTACGAGTGGCAAGAGGTGGAGAAGGGCAGCTTGCCCGAGTTCTACTAC[A>AG]GACCCCCGCGGCCCCCCAAAGGTGCCTGCAAGGTGCCGGCGCAGGAGAGCCAGGATGTCA-3'